The following is an entry in ClinVar:

NM_020207.7(ERCC6L2):c.935G>C (p.Trp312Ser)

Gene: ERCC6L2 (ERCC excision repair 6 like 2; plus strand). Cytogenetic location: 9q22.32.
Variant type: single nucleotide variant.
Coding change: c.935G>C on transcript NM_020207.7 (MANE Select); coding-DNA position 935, G replaced by C.
Protein change: p.Trp312Ser; replaces tryptophan 312 with serine.
Molecular consequence: missense variant. On other transcripts: non-coding transcript variant (1).
Genome position (GRCh38, 1-based): chr9:95,915,814, G>C. VCF-style: chr9-95915814-G-C. GRCh37 (hg19) VCF-style: chr9-98678096-G-C.
Other names: c.935G>C, p.Trp312Ser (NM_001010895.4, NM_001375291.1, NM_001375292.1 and 2 more transcripts); short protein forms W312S.
Identifiers: ClinVar variation 5036088 (VCV005036088.1).

ClinVar aggregate classification (germline): Uncertain significance (1 of 4 stars; one submission).

Conditions:
Inborn genetic diseases. Identifiers: MedGen C0950123, MeSH D030342.

Submission:

Ambry Genetics
Classification: Uncertain significance for Inborn genetic diseases. Last evaluated: 2026-07-30. Review status: criteria provided, single submitter. Criteria: Ambry Variant Classification Scheme 2023. Collection method: clinical testing. Allele origin: germline.
Comment: The p.W312S variant (also known as c.935G>C), located in coding exon 5 of the ERCC6L2 gene, results from a G to C substitution at nucleotide position 935. The tryptophan at codon 312 is replaced by serine, an amino acid with highly dissimilar properties. This amino acid position is conserved. In addition, this alteration is predicted to be deleterious by in silico analysis. Based on the available evidence, the clinical significance of this variant remains unclear.